The following is an entry in ClinVar:

ClinVar aggregate classification (germline): Conflicting classifications of pathogenicity. Review status: criteria provided, conflicting classifications (1 of 4 stars). 5 submissions from 5 submitters: Pathogenic (1); Likely pathogenic (1); Uncertain significance (1). 2 of the submissions do not count toward it. Last evaluated 2024-10-12.

Conditions:
Retinal dystrophy. Also called: Inherited retinal dystrophy. Identifiers: Orphanet 71862, MedGen C0854723, MeSH D058499, MONDO:0019118, HP:0000556.
Retinitis pigmentosa (RP). Identifiers: Orphanet 791, MedGen C0035334, MeSH D012174, MONDO:0019200, OMIM 268000. Inheritance: Autosomal dominant, autosomal recessive and X linked inheritance.

Allele frequency attached by ClinVar (database versions not stated): TOPMed below 0.00001; gnomAD 0.00001; gnomAD exomes 0.00001; 1000 Genomes Project 30x 0.00016.
gnomAD v4.1: 17 of 1,610,068 alleles (0.0011%); highest among the groups gnomAD compares: Non-Finnish European, 0.0014%; no homozygotes.

Submissions (5):

Labcorp Genetics (formerly Invitae), Labcorp
Classification: Pathogenic. Last evaluated: 2024-10-12. Review status: criteria provided, single submitter. Criteria: Invitae Variant Classification Sherloc (09022015). Collection method: clinical testing. Allele origin: germline.
Comment: This sequence change replaces arginine, which is basic and polar, with glutamine, which is neutral and polar, at codon 727 of the MERTK protein (p.Arg727Gln). This variant is not present in population databases (gnomAD no frequency). This missense change has been observed in individuals with clinical features of autosomal recessive retinitis pigmentosa (PMID: 24625443, 28041643, 29659094; internal data). ClinVar contains an entry for this variant (Variation ID: 236454). Invitae Evidence Modeling of protein sequence and biophysical properties (such as structural, functional, and spatial information, amino acid conservation, physicochemical variation, residue mobility, and thermodynamic stability) indicates that this missense variant is expected to disrupt MERTK protein function with a positive predictive value of 80%. This variant disrupts the p.Arg727 amino acid residue in MERTK. Other variant(s) that disrupt this residue have been observed in individuals with MERTK-related conditions (PMID: 28041643), which suggests that this may be a clinically significant amino acid residue. For these reasons, this variant has been classified as Pathogenic.

Institute of Human Genetics, Univ. Regensburg, Univ. Regensburg
Classification: Likely pathogenic for Retinal dystrophy. Last evaluated: 2022-01-01. Review status: criteria provided, single submitter. Criteria: ACMG Guidelines, 2015. Collection method: clinical testing. Allele origin: germline. Affected: yes.

Blueprint Genetics
Classification: Uncertain significance. Last evaluated: 2020-05-15. Review status: criteria provided, single submitter. Criteria: ACMG Guidelines, 2015. Collection method: clinical testing. Allele origin: germline.

NIHR Bioresource Rare Diseases, University of Cambridge
Classification: Likely pathogenic for Retinitis pigmentosa. Last evaluated: 2015-01-01. Review status: no assertion criteria provided. Collection method: research. Allele origin: unknown. Affected: yes. Observed: 1 variant allele. Not counted in ClinVar's aggregate classification.

Centre for Genomic Medicine, Manchester, Central Manchester University Hospitals
Classification: Uncertain significance for Retinal dystrophy. Review status: no assertion criteria provided. Collection method: clinical testing. Allele origin: germline. Affected: yes. Not counted in ClinVar's aggregate classification.

Literature cited by the submitters: PubMed 24625443 (cited by 3 submitters); PubMed 28041643 (cited by Labcorp Genetics (formerly Invitae), Labcorp and NIHR Bioresource Rare Diseases, University of Cambridge); PubMed 29659094 (cited by Labcorp Genetics (formerly Invitae), Labcorp); PubMed 32581362 (cited by Institute of Human Genetics, Univ. Regensburg, Univ. Regensburg); PubMed 32531858 (cited by Institute of Human Genetics, Univ. Regensburg, Univ. Regensburg); PubMed 36819107 (cited by Institute of Human Genetics, Univ. Regensburg, Univ. Regensburg).

NM_006343.3(MERTK):c.2180G>A (p.Arg727Gln)

Gene: MERTK (MER proto-oncogene, tyrosine kinase; plus strand). Cytogenetic location: 2q13.
Variant type: single nucleotide variant.
Coding change: c.2180G>A on transcript NM_006343.3 (MANE Select); coding-DNA position 2180, G replaced by A.
Protein change: p.Arg727Gln; replaces arginine 727 with glutamine.
Molecular consequence: missense variant.
Genome position (GRCh38, 1-based): chr2:112,019,513, G>A. VCF-style: chr2-112019513-G-A. GRCh37 (hg19) VCF-style: chr2-112777090-G-A.
Other names: short protein forms R727Q.
Identifiers: ClinVar variation 236454 (VCV000236454.9), dbSNP rs878853354, ClinGen allele CA10581654.